The following is an entry in ClinVar:

ClinVar aggregate classification (germline): Likely benign. Review status: reviewed by expert panel (3 of 4 stars). 5 submissions from 5 submitters: Likely benign (1). 4 of the submissions do not count toward it. Last evaluated 2017-04-18.

Conditions:
RASopathy. Also called: Noonan spectrum disorder; rasopathies. Identifiers: Orphanet 536391, MedGen C5555857, MONDO:0021060.
SHOC2-related disorder. Also called: SHOC2-related condition.
Noonan syndrome and Noonan-related syndrome. Identifiers: Orphanet 98733, MedGen C5681679, MONDO:0020297.
Cardiovascular phenotype. Identifiers: MedGen CN230736.

Allele frequency attached by ClinVar (database versions not stated): gnomAD exomes 0.00001 and 0.00003; ExAC 0.00007; gnomAD 0.00007; TOPMed 0.00011; 1000 Genomes Project 0.00020; 1000 Genomes Project 30x 0.00031; ESP Exome Variant Server 0.00031.
gnomAD v4.1: 16 of 1,614,134 alleles (0.00099%); highest among the groups gnomAD compares: African/African-American, 0.019%; no homozygotes.

Submissions (5):

ClinGen RASopathy Variant Curation Expert Panel
Classification: Likely benign for Noonan syndrome and Noonan-related syndrome. Last evaluated: 2017-04-18. Review status: reviewed by expert panel. Criteria: ClinGen RASopathy ACMG Specifications v1. Collection method: curation. Allele origin: germline. Inheritance: Autosomal dominant inheritance.
Comment: The filtering allele frequency of the c.363G>A (p.Glu121=) variant in the SHOC2 gene is 0.0384% (8/10350) of African chromosomes by the Exome Aggregation Consortium, which is a high enough frequency to be classified as likely benign based on thresholds defined by the ClinGen RASopathy Expert Panel (BS1; PMID:29493581)

Labcorp Genetics (formerly Invitae), Labcorp
Classification: Likely benign for RASopathy. Last evaluated: 2026-01-28. Review status: criteria provided, single submitter. Criteria: Invitae Variant Classification Sherloc (09022015). Collection method: clinical testing. Allele origin: germline. Not counted in ClinVar's aggregate classification.

Ambry Genetics
Classification: Likely benign for Cardiovascular phenotype. Last evaluated: 2020-06-08. Review status: criteria provided, single submitter. Criteria: Ambry Variant Classification Scheme 2023. Collection method: clinical testing. Allele origin: germline. Not counted in ClinVar's aggregate classification.

Genome Diagnostics Laboratory, The Hospital for Sick Children
Classification: Likely benign for Noonan syndrome and Noonan-related syndrome. Last evaluated: 2020-01-01. Review status: criteria provided, single submitter. Criteria: ACMG Guidelines, 2015. Collection method: clinical testing. Allele origin: germline. Not counted in ClinVar's aggregate classification.

PreventionGenetics, part of Exact Sciences
Classification: Likely benign for SHOC2-related condition. Last evaluated: 2020-08-25. Review status: no assertion criteria provided. Collection method: clinical testing. Allele origin: germline. Not counted in ClinVar's aggregate classification.
Comment: This variant is classified as likely benign based on ACMG/AMP sequence variant interpretation guidelines (Richards et al. 2015 PMID: 25741868, with internal and published modifications).

NM_007373.4(SHOC2):c.363G>A (p.Glu121=)

Gene: SHOC2 (SHOC2 leucine rich repeat scaffold protein; plus strand). Cytogenetic location: 10q25.2.
Variant type: single nucleotide variant.
Coding change: c.363G>A on transcript NM_007373.4 (MANE Select); coding-DNA position 363, G replaced by A.
Protein change: p.Glu121=; no amino-acid change (glutamic acid 121 retained).
Molecular consequence: synonymous variant.
Genome position (GRCh38, 1-based): chr10:110,964,721, G>A. VCF-style: chr10-110964721-G-A. GRCh37 (hg19) VCF-style: chr10-112724479-G-A.
Other names: NM_007373.3(SHOC2):c.363G>A; c.363G>A, p.Glu121= (NM_001269039.3, NM_001324336.2, NM_001324337.2).
Identifiers: ClinVar variation 448931 (VCV000448931.19), dbSNP rs115713408, ClinGen allele CA5689580.